The following is an entry in ClinVar:

ClinVar aggregate classification (germline): Uncertain significance (1 of 4 stars; one submission).

Allele frequency attached by ClinVar (database versions not stated): gnomAD exomes below 0.00001.
gnomAD v4.1: 1 of 1,614,240 alleles (0.000062%); highest among the groups gnomAD compares: Non-Finnish European, 0.000085%; no homozygotes.

Submission:

Labcorp Genetics (formerly Invitae), Labcorp
Classification: Uncertain significance. Last evaluated: 2022-09-02. Review status: criteria provided, single submitter. Criteria: Invitae Variant Classification Sherloc (09022015). Collection method: clinical testing. Allele origin: germline.
Comment: This sequence change replaces methionine, which is neutral and non-polar, with valine, which is neutral and non-polar, at codon 445 of the TUFM protein (p.Met445Val). This variant is not present in population databases (gnomAD no frequency). This variant has not been reported in the literature in individuals affected with TUFM-related conditions. Algorithms developed to predict the effect of missense changes on protein structure and function (SIFT, PolyPhen-2, Align-GVGD) all suggest that this variant is likely to be tolerated. In summary, the available evidence is currently insufficient to determine the role of this variant in disease. Therefore, it has been classified as a Variant of Uncertain Significance.

NM_003321.5(TUFM):c.1333A>G (p.Met445Val)

Gene: TUFM (Tu translation elongation factor, mitochondrial; minus strand). Cytogenetic location: 16p11.2.
Variant type: single nucleotide variant.
Coding change: c.1333A>G on transcript NM_003321.5 (MANE Select); coding-DNA position 1333, A replaced by G.
Protein change: p.Met445Val; replaces methionine 445 with valine.
Molecular consequence: missense variant.
Genome position (GRCh38, 1-based): chr16:28,843,010, T>C on the plus strand (A>G on the coding strand, the complement: TUFM is on the minus strand). VCF-style: chr16-28843010-T-C. GRCh37 (hg19) VCF-style: chr16-28854331-T-C.
Other names: c.1249A>G, p.Met417Val (NM_001365360.2); short protein forms M445V, M417V.
Identifiers: ClinVar variation 1943815 (VCV001943815.5), dbSNP rs1961840395, ClinGen allele CA395412808.